The following is an entry in ClinVar:

NM_006019.4(TCIRG1):c.1437_1443del (p.Ala480fs)

Gene: TCIRG1 (T cell immune regulator 1, ATPase H+ transporting V0 subunit a3; plus strand). Cytogenetic location: 11q13.2.
Variant type: Deletion.
Coding change: c.1437_1443del on transcript NM_006019.4 (MANE Select); coding-DNA positions 1437 to 1443, 7 bases deleted (CGCCATG; older notation c.1437_1443delCGCCATG).
Protein change: p.Ala480fs; shifts the reading frame from alanine 480.
Molecular consequence: frameshift variant. On other transcripts: intron variant (2).
Genome position (GRCh38, 1-based): chr11:68,047,778-68,047,784, CGCCATG deleted. VCF-style (leftmost placement, unchanged base first): chr11-68047777-CCGCCATG-C. GRCh37 (hg19) VCF-style: chr11-67815244-CCGCCATG-C.
Other names: c.543_549del, p.Ala182fs (NM_001351059.2); c.1437_1443del, p.Ala480fs (NM_001440552.1, NM_001440553.1, NM_001440554.1 and 2 more transcripts); c.1395_1401del, p.Ala466fs (NM_001440555.1, NM_001440556.1, NM_001440563.1); c.1224_1230del, p.Ala409fs (NM_001440559.1, NM_001440560.1, NM_001440561.1 and 2 more transcripts); c.1182_1188del, p.Ala395fs (NM_001440564.1); c.1137_1143del, p.Ala380fs (NM_001440565.1); c.969_975del, p.Ala324fs (NM_001440568.1); c.789_795del, p.Ala264fs (NM_006053.4); and 2 more; short protein forms A182fs, A264fs, A324fs, A380fs, A395fs, A409fs, A466fs, A480fs.
Identifiers: ClinVar variation 4815478 (VCV004815478.1).

ClinVar aggregate classification (germline): Likely pathogenic (1 of 4 stars; one submission).

Conditions:
Autosomal recessive osteopetrosis 1. Also called: ALBERS-SCHONBERG DISEASE, AUTOSOMAL RECESSIVE; TCIRG1-Related Autosomal Recessive Osteopetrosis; TCIRG1-Related Osteopetrosis. Identifiers: Orphanet 667, MedGen C1850127, MONDO:0009815, OMIM 259700.

Submission:

Natera, Inc.
Classification: Likely pathogenic for Infantile malignant osteopetrosis. Last evaluated: 2025-09-15. Review status: criteria provided, single submitter. Criteria: Natera Variant Classification Schema (03/2026). Collection method: clinical testing. Allele origin: germline.
Comment: The c.1437_1443del variant in TCIRG1 is a frameshift variant predicted to shift the reading frame beginning at codon 480 and leads to a stop codon 46 codons downstream. This variant is expected to result in nonsense mediated decay, truncation, or a dysfunctional protein product. This variant is rare in the general population with a frequency below the threshold expected for the associated phenotype(s). Given the available evidence, this variant is classified as Likely Pathogenic.